The following is an entry in ClinVar:

NM_007055.4(POLR3A):c.1907C>G (p.Ser636Cys)

Gene: POLR3A (RNA polymerase III subunit A; minus strand). Cytogenetic location: 10q22.3.
Variant type: single nucleotide variant.
Coding change: c.1907C>G on transcript NM_007055.4 (MANE Select); coding-DNA position 1907, C replaced by G.
Protein change: p.Ser636Cys; replaces serine 636 with cysteine.
Molecular consequence: missense variant.
Genome position (GRCh38, 1-based): chr10:78,009,539, G>C on the plus strand (C>G on the coding strand, the complement: POLR3A is on the minus strand). VCF-style: chr10-78009539-G-C. GRCh37 (hg19) VCF-style: chr10-79769297-G-C.
Other names: short protein forms S636C.
Identifiers: ClinVar variation 1947428 (VCV001947428.5), dbSNP rs267608676, ClinGen allele CA210210801.

ClinVar aggregate classification (germline): Uncertain significance (1 of 4 stars; one submission).

Allele frequency attached by ClinVar (database versions not stated): gnomAD 0.00001; TOPMed 0.00002.
gnomAD v4.1: 1 of 1,614,060 alleles (0.000062%); highest among the groups gnomAD compares: Admixed American, 0.0017%; no homozygotes.

Submission:

Labcorp Genetics (formerly Invitae), Labcorp
Classification: Uncertain significance. Last evaluated: 2024-07-29. Review status: criteria provided, single submitter. Criteria: Invitae Variant Classification Sherloc (09022015). Collection method: clinical testing. Allele origin: germline.
Comment: This sequence change replaces serine, which is neutral and polar, with cysteine, which is neutral and slightly polar, at codon 636 of the POLR3A protein (p.Ser636Cys). This variant is not present in population databases (gnomAD no frequency). This variant has not been reported in the literature in individuals affected with POLR3A-related conditions. ClinVar contains an entry for this variant (Variation ID: 1947428). An algorithm developed to predict the effect of missense changes on protein structure and function (PolyPhen-2) suggests that this variant is likely to be tolerated. In summary, the available evidence is currently insufficient to determine the role of this variant in disease. Therefore, it has been classified as a Variant of Uncertain Significance.